The following is an entry in ClinVar:

ClinVar aggregate classification (germline): Uncertain significance. Review status: criteria provided, multiple submitters, no conflicts (2 of 4 stars). 2 submissions from 2 submitters: Uncertain significance (2). Last evaluated 2023-12-11.

Conditions:
Inborn genetic diseases. Identifiers: MedGen C0950123, MeSH D030342.

Allele frequency attached by ClinVar (database versions not stated): gnomAD 0.00001; ExAC 0.00002; gnomAD exomes 0.00003 and 0.00006; TOPMed 0.00004.
gnomAD v4.1: 20 of 1,613,790 alleles (0.0012%); highest among the groups gnomAD compares: Admixed American, 0.033%; no homozygotes.

Submissions (2):

Labcorp Genetics (formerly Invitae), Labcorp
Classification: Uncertain significance. Last evaluated: 2023-12-11. Review status: criteria provided, single submitter. Criteria: Invitae Variant Classification Sherloc (09022015). Collection method: clinical testing. Allele origin: germline.
Comment: This sequence change replaces glutamic acid, which is acidic and polar, with glycine, which is neutral and non-polar, at codon 788 of the PCLO protein (p.Glu788Gly). This variant is present in population databases (rs779589967, gnomAD 0.04%). This variant has not been reported in the literature in individuals affected with PCLO-related conditions. ClinVar contains an entry for this variant (Variation ID: 1348366). Experimental studies and prediction algorithms are not available or were not evaluated, and the functional significance of this variant is currently unknown. In summary, the available evidence is currently insufficient to determine the role of this variant in disease. Therefore, it has been classified as a Variant of Uncertain Significance.

Ambry Genetics
Classification: Uncertain significance for Inborn genetic diseases. Last evaluated: 2021-10-26. Review status: criteria provided, single submitter. Criteria: Ambry Variant Classification Scheme 2023. Collection method: clinical testing. Allele origin: germline.

NM_033026.6(PCLO):c.2363A>G (p.Glu788Gly)

Gene: PCLO (piccolo presynaptic cytomatrix protein; minus strand). Cytogenetic location: 7q21.11.
Variant type: single nucleotide variant.
Coding change: c.2363A>G on transcript NM_033026.6 (MANE Select); coding-DNA position 2363, A replaced by G.
Protein change: p.Glu788Gly; replaces glutamic acid 788 with glycine.
Molecular consequence: missense variant.
Genome position (GRCh38, 1-based): chr7:83,135,187, T>C on the plus strand (A>G on the coding strand, the complement: PCLO is on the minus strand). VCF-style: chr7-83135187-T-C. GRCh37 (hg19) VCF-style: chr7-82764503-T-C.
Other names: c.2363A>G, p.Glu788Gly (NM_014510.3); c.2363A>G (NM_033026.5); short protein forms E788G.
Identifiers: ClinVar variation 1348366 (VCV001348366.5), dbSNP rs779589967, ClinGen allele CA4321271.